The following is an entry in ClinVar:

ClinVar aggregate classification (germline): Uncertain significance (1 of 4 stars; one submission).

Submission:

Ambry Genetics
Classification: Uncertain significance. Last evaluated: 2024-05-05. Review status: criteria provided, single submitter. Criteria: Ambry Variant Classification Scheme 2023. Collection method: clinical testing. Allele origin: germline.
Comment: The p.Q54R variant (also known as c.161A>G), located in coding exon 1 of the BUB3 gene, results from an A to G substitution at nucleotide position 161. The glutamine at codon 54 is replaced by arginine, an amino acid with highly similar properties. This amino acid position is conserved. In addition, the in silico prediction for this alteration is inconclusive. Based on the available evidence, the clinical significance of this variant remains unclear.

NM_004725.4(BUB3):c.161A>G (p.Gln54Arg)

Gene: BUB3 (BUB3 mitotic checkpoint protein; plus strand). Cytogenetic location: 10q26.13.
Variant type: single nucleotide variant.
Coding change: c.161A>G on transcript NM_004725.4 (MANE Select); coding-DNA position 161, A replaced by G.
Protein change: p.Gln54Arg; replaces glutamine 54 with arginine.
Molecular consequence: missense variant.
Genome position (GRCh38, 1-based): chr10:123,155,078, A>G. VCF-style: chr10-123155078-A-G. GRCh37 (hg19) VCF-style: chr10-124914594-A-G.
Other names: c.161A>G, p.Gln54Arg (NM_001007793.3); short protein forms Q54R.
Identifiers: ClinVar variation 3262305 (VCV003262305.1).